The following is an entry in ClinVar:

NC_000016.9:g.(?_87969895)_(87970056_?)del

Gene: CA5A (carbonic anhydrase 5A; minus strand). Cytogenetic location: 16q24.2.
Variant type: Deletion.
Identifiers: ClinVar variation 3243526 (VCV003243526.1).

ClinVar aggregate classification (germline): Pathogenic (1 of 4 stars; one submission).

Conditions:
Hyperammonemic encephalopathy due to carbonic anhydrase VA deficiency. Also called: Carbonic anhydrase VA deficiency, hyperammonemia due to; Carbonic Anhydrase VA Deficiency. Identifiers: Orphanet 401948, MedGen C4706871, MONDO:0014332, OMIM 615751.

Submission:

Labcorp Genetics (formerly Invitae), Labcorp
Classification: Pathogenic for Hyperammonemic encephalopathy due to carbonic anhydrase VA deficiency. Last evaluated: 2023-09-20. Review status: criteria provided, single submitter. Criteria: Invitae Variant Classification Sherloc (09022015). Collection method: clinical testing. Allele origin: unknown.
Comment: This variant is a gross deletion of the genomic region encompassing exon(s) 1 of the CA5A gene, which includes the initiator codon. This deletion extends beyond the assayed region for this gene and therefore may encompass additional genes. It is expected to result in an absent or disrupted protein product. Loss-of-function variants in CA5A are known to be pathogenic (PMID: 24530203, 26913920). This variant has not been reported in the literature in individuals affected with CA5A-related conditions. For these reasons, this variant has been classified as Pathogenic.

Literature cited by the submitters: PubMed 24530203; PubMed 26913920.